The following is an entry in ClinVar:

NM_001267550.2(TTN):c.47385dup (p.Glu15796Ter)

Genes: TTN (titin; minus strand), TTN-AS1 (TTN antisense RNA 1; plus strand). Cytogenetic location: 2q31.2.
Variant type: Duplication.
Coding change: c.47385dup on transcript NM_001267550.2 (MANE Select); coding-DNA position 47385, one base duplicated (T; older notation c.47385dupT).
Protein change: p.Glu15796Ter; replaces glutamic acid 15796 with a stop codon.
Molecular consequence: nonsense.
Genome position (GRCh38, 1-based): chr2:178,617,966, A duplicated on the plus strand (T on the coding strand, the reverse complement: TTN is on the minus strand); the first of 2 consecutive A bases (chr2:178,617,966-178,617,967); duplicating either gives the same sequence. VCF-style (leftmost placement, unchanged base first): chr2-178617965-C-CA. GRCh37 (hg19) VCF-style: chr2-179482692-C-CA.
Other names: c.42462dup, p.Glu14155Ter (NM_001256850.1); c.20190dup, p.Glu6731Ter (NM_003319.4); c.39681dup, p.Glu13228Ter (NM_133378.4); c.20565dup, p.Glu6856Ter (NM_133432.3); c.20766dup, p.Glu6923Ter (NM_133437.4); short protein forms E13228*, E14155*, E15796*, E6731*, E6856*, E6923*.
Identifiers: ClinVar variation 3236652 (VCV003236652.2), dbSNP rs2470878785, ClinGen allele CA2825001033.

ClinVar aggregate classification (germline): Likely pathogenic (1 of 4 stars; one submission).

Conditions:
Dilated cardiomyopathy 1G (CMD1G). Identifiers: Orphanet 154, MedGen C1858763, MONDO:0011400, OMIM 604145.

Submission:

Clinical Genetics Laboratory, Region Ostergotland
Classification: Likely pathogenic for Dilated cardiomyopathy 1G. Last evaluated: 2023-11-21. Review status: criteria provided, single submitter. Criteria: ACMG Guidelines, 2015. Collection method: clinical testing. Allele origin: germline. Affected: yes.
Comment: PVS1, PM2